The following is an entry in ClinVar:

NM_004698.4(PRPF3):c.487A>G (p.Ile163Val)

Gene: PRPF3 (pre-mRNA processing factor 3; plus strand). Cytogenetic location: 1q21.2.
Variant type: single nucleotide variant.
Coding change: c.487A>G on transcript NM_004698.4 (MANE Select); coding-DNA position 487, A replaced by G.
Protein change: p.Ile163Val; replaces isoleucine 163 with valine.
Molecular consequence: missense variant. On other transcripts: non-coding transcript variant (4).
Genome position (GRCh38, 1-based): chr1:150,332,747, A>G. VCF-style: chr1-150332747-A-G. GRCh37 (hg19) VCF-style: chr1-150305218-A-G.
Other names: c.82A>G, p.Ile28Val (NM_001350529.1); short protein forms I163V, I28V.
Identifiers: ClinVar variation 3008207 (VCV003008207.3), dbSNP rs1282813411, ClinGen allele CA342290935.

ClinVar aggregate classification (germline): Uncertain significance (1 of 4 stars; one submission).

Allele frequency attached by ClinVar (database versions not stated): TOPMed below 0.00001; gnomAD 0.00001.
gnomAD v4.1: 5 of 1,614,020 alleles (0.00031%); highest among the groups gnomAD compares: East Asian, 0.0022%; no homozygotes.

Submission:

Labcorp Genetics (formerly Invitae), Labcorp
Classification: Uncertain significance. Last evaluated: 2023-10-03. Review status: criteria provided, single submitter. Criteria: Invitae Variant Classification Sherloc (09022015). Collection method: clinical testing. Allele origin: germline.
Comment: This sequence change replaces isoleucine, which is neutral and non-polar, with valine, which is neutral and non-polar, at codon 163 of the PRPF3 protein (p.Ile163Val). This variant is present in population databases (no rsID available, gnomAD 0.0009%). This variant has not been reported in the literature in individuals affected with PRPF3-related conditions. Advanced modeling of protein sequence and biophysical properties (such as structural, functional, and spatial information, amino acid conservation, physicochemical variation, residue mobility, and thermodynamic stability) performed at Invitae indicates that this missense variant is not expected to disrupt PRPF3 protein function. In summary, the available evidence is currently insufficient to determine the role of this variant in disease. Therefore, it has been classified as a Variant of Uncertain Significance.